The following is an entry in ClinVar:

NM_002185.5(IL7R):c.952G>A (p.Asp318Asn)

Gene: IL7R (interleukin 7 receptor; plus strand). Cytogenetic location: 5p13.2.
Variant type: single nucleotide variant.
Coding change: c.952G>A on transcript NM_002185.5 (MANE Select); coding-DNA position 952, G replaced by A.
Protein change: p.Asp318Asn; replaces aspartic acid 318 with asparagine.
Molecular consequence: missense variant. On other transcripts: non-coding transcript variant (1).
Genome position (GRCh38, 1-based): chr5:35,876,058, G>A. VCF-style: chr5-35876058-G-A. GRCh37 (hg19) VCF-style: chr5-35876160-G-A.
Other names: short protein forms D318N.
Identifiers: ClinVar variation 134537 (VCV000134537.8), dbSNP rs200521932, ClinGen allele CA160126.

ClinVar aggregate classification (germline): Uncertain significance. Review status: criteria provided, single submitter (1 of 4 stars). 2 submissions from 2 submitters: Uncertain significance (1). 1 of the submissions does not count toward it. Last evaluated 2022-03-18.

Conditions:
Immunodeficiency 104. Also called: Severe combined immunodeficiency, autosomal recessive, T cell-negative, B cell-positive, NK cell-positive; Severe Combined Immune Deficiency, Autosomal Recessive, TCell -Negative, B Cell-Positive, NK Cell-Positive, IL7R-Related; SCID, AUTOSOMAL RECESSIVE, T CELL-NEGATIVE, B CELL-POSITIVE, NK CELL-POSITIVE; IMMUNODEFICIENCY 104, SEVERE COMBINED. Identifiers: MedGen C5676890, MONDO:0012163, OMIM 608971.

Allele frequency attached by ClinVar (database versions not stated): ExAC 0.00001; TOPMed 0.00002; gnomAD 0.00003.
gnomAD v4.1: 50 of 1,614,046 alleles (0.0031%); highest among the groups gnomAD compares: Non-Finnish European, 0.0038%; no homozygotes.

Submissions (2):

Labcorp Genetics (formerly Invitae), Labcorp
Classification: Uncertain significance for Immunodeficiency 104. Last evaluated: 2022-03-18. Review status: criteria provided, single submitter. Criteria: Invitae Variant Classification Sherloc (09022015). Collection method: clinical testing. Allele origin: germline.
Comment: This sequence change replaces aspartic acid, which is acidic and polar, with asparagine, which is neutral and polar, at codon 318 of the IL7R protein (p.Asp318Asn). This variant is present in population databases (rs200521932, gnomAD 0.002%). This variant has not been reported in the literature in individuals affected with IL7R-related conditions. ClinVar contains an entry for this variant (Variation ID: 134537). Algorithms developed to predict the effect of missense changes on protein structure and function are either unavailable or do not agree on the potential impact of this missense change (SIFT: "Tolerated"; PolyPhen-2: "Probably Damaging"; Align-GVGD: "Class C0"). In summary, the available evidence is currently insufficient to determine the role of this variant in disease. Therefore, it has been classified as a Variant of Uncertain Significance.

ITMI
No classification provided. Condition: AllHighlyPenetrant. Last evaluated: 2013-09-19. Review status: no classification provided. Collection method: reference population. Allele origin: germline. Not counted in ClinVar's aggregate classification.
Comment: Please see associated publication for description of ethnicities

Literature cited by the submitters: PubMed 24728327 (cited by ITMI).